The following is an entry in ClinVar:

ClinVar aggregate classification (germline): Uncertain significance (1 of 4 stars; one submission).

gnomAD v4.1: 1 of 1,597,982 alleles (0.000063%); highest among the groups gnomAD compares: South Asian, 0.0011%; no homozygotes.

Submission:

Labcorp Genetics (formerly Invitae), Labcorp
Classification: Uncertain significance. Last evaluated: 2025-09-20. Review status: criteria provided, single submitter. Criteria: Invitae Variant Classification Sherloc (09022015). Collection method: clinical testing. Allele origin: germline.
Comment: This sequence change replaces serine, which is neutral and polar, with asparagine, which is neutral and polar, at codon 1052 of the APC2 protein (p.Ser1052Asn). This variant is not present in population databases (gnomAD no frequency). This variant has not been reported in the literature in individuals affected with APC2-related conditions. Invitae Evidence Modeling of protein sequence and biophysical properties (such as structural, functional, and spatial information, amino acid conservation, physicochemical variation, residue mobility, and thermodynamic stability) has been performed for this missense variant. However, the output from this modeling did not meet the statistical confidence thresholds required to predict the impact of this variant on APC2 protein function. In summary, the available evidence is currently insufficient to determine the role of this variant in disease. Therefore, it has been classified as a Variant of Uncertain Significance.

NM_005883.3(APC2):c.3155G>A (p.Ser1052Asn)

Gene: APC2 (APC regulator of Wnt signaling pathway 2; plus strand). Cytogenetic location: 19p13.3.
Variant type: single nucleotide variant.
Coding change: c.3155G>A on transcript NM_005883.3 (MANE Select); coding-DNA position 3155, G replaced by A.
Protein change: p.Ser1052Asn; replaces serine 1052 with asparagine.
Molecular consequence: missense variant.
Genome position (GRCh38, 1-based): chr19:1,466,456, G>A. VCF-style: chr19-1466456-G-A. GRCh37 (hg19) VCF-style: chr19-1466455-G-A.
Other names: c.3152G>A, p.Ser1051Asn (NM_001351273.1); short protein forms S1052N, S1051N.
Identifiers: ClinVar variation 4765575 (VCV004765575.1).